The following is an entry in ClinVar:

NM_016222.4(DDX41):c.627C>T (p.Ile209=)

Gene: DDX41 (DEAD-box helicase 41; minus strand). Cytogenetic location: 5q35.3.
Variant type: single nucleotide variant.
Coding change: c.627C>T on transcript NM_016222.4 (MANE Select); coding-DNA position 627, C replaced by T.
Protein change: p.Ile209=; no amino-acid change (isoleucine 209 retained).
Molecular consequence: synonymous variant.
Genome position (GRCh38, 1-based): chr5:177,515,203, G>A on the plus strand (C>T on the coding strand, the complement: DDX41 is on the minus strand). VCF-style: chr5-177515203-G-A. GRCh37 (hg19) VCF-style: chr5-176942204-G-A.
Other names: c.249C>T, p.Ile83= (NM_001321732.2, NM_001321830.2); c.627C>T (NM_016222.2).
Identifiers: ClinVar variation 3029275 (VCV003029275.3), dbSNP rs781436670, ClinGen allele CA3585090.
Genomic context (GRCh38, chr5:177,515,203, plus strand): 5'-TCCAGCCCTCCTCAAGGACCCCAGGTCCACAGTCCACACTCACATGGTGGGGATGCCCTG[G>A]ATCTGAATGGGTGTTGGGTGGTGAATGCCTTTCTTCTTCAGGCCTCTCAGGATGGCTATG-3'
Protein context (NP_057306.2, residues 199-219): KGIHHPTPIQ[Ile209=]QGIPTILSGR

ClinVar aggregate classification (germline): Likely benign. Review status: criteria provided, single submitter (1 of 4 stars). 2 submissions from 2 submitters: Likely benign (1). 1 of the submissions does not count toward it. Last evaluated 2026-01-15.

Conditions:
DDX41-related disorder. Also called: DDX41-related condition.
Inborn genetic diseases. Identifiers: MedGen C0950123, MeSH D030342.

Allele frequency attached by ClinVar (database versions not stated): ExAC 0.00002.
gnomAD v4.1: 14 of 1,614,030 alleles (0.00087%); highest among the groups gnomAD compares: South Asian, 0.014%; no homozygotes.

Submissions (2):

Ambry Genetics
Classification: Likely benign for Inborn genetic diseases. Last evaluated: 2026-01-15. Review status: criteria provided, single submitter. Criteria: Ambry Variant Classification Scheme 2023. Collection method: clinical testing. Allele origin: germline.

PreventionGenetics, part of Exact Sciences
Classification: Likely benign for DDX41-related condition. Last evaluated: 2021-10-27. Review status: no assertion criteria provided. Collection method: clinical testing. Allele origin: germline. Not counted in ClinVar's aggregate classification.
Comment: This variant is classified as likely benign based on ACMG/AMP sequence variant interpretation guidelines (Richards et al. 2015 PMID: 25741868, with internal and published modifications).